The following is an entry in ClinVar:

NM_002474.3(MYH11):c.1048G>A (p.Val350Ile)

Gene: MYH11 (myosin heavy chain 11; minus strand). Cytogenetic location: 16p13.11.
Variant type: single nucleotide variant.
Coding change: c.1048G>A on transcript NM_002474.3 (MANE Select); coding-DNA position 1048, G replaced by A.
Protein change: p.Val350Ile; replaces valine 350 with isoleucine.
Molecular consequence: missense variant.
Genome position (GRCh38, 1-based): chr16:15,763,877, C>T on the plus strand (G>A on the coding strand, the complement: MYH11 is on the minus strand). VCF-style: chr16-15763877-C-T. GRCh37 (hg19) VCF-style: chr16-15857734-C-T.
Other names: c.1069G>A, p.Val357Ile (NM_001040113.2, NM_001040114.2); c.1048G>A, p.Val350Ile (NM_022844.3); short protein forms V350I, V357I.
Identifiers: ClinVar variation 4804811 (VCV004804811.1).
Genomic context (GRCh38, chr16:15,763,877, plus strand): 5'-CCTGGTCTGTGTTTCTTTCCTTCTTGAAGACGATATTTCCAAGCTGCAGGACCGATGATA[C>T]CACCTTCAATATGGCTGAGGTGGGGAGAGAAGGGCAGAGCAGACACAAAGGTCAATGCCA-3'
Protein context (NP_002465.1, residues 340-360): EEEQLSILKV[Val350Ile]SSVLQLGNIV

ClinVar aggregate classification (germline): Uncertain significance (1 of 4 stars; one submission).

Conditions:
Aortic aneurysm, familial thoracic 4 (AAT4). Also called: AORTIC ANEURYSM/AORTIC DISSECTION AND PATENT DUCTUS ARTERIOSUS. Identifiers: MedGen C1851504, MONDO:0007568, OMIM 132900.

gnomAD v4.1: 2 of 1,612,924 alleles (0.00012%); highest among the groups gnomAD compares: African/African-American, 0.0013%; no homozygotes.

Submission:

Labcorp Genetics (formerly Invitae), Labcorp
Classification: Uncertain significance for Aortic aneurysm, familial thoracic 4. Last evaluated: 2025-04-17. Review status: criteria provided, single submitter. Criteria: Invitae Variant Classification Sherloc (09022015). Collection method: clinical testing. Allele origin: germline.
Comment: This sequence change replaces valine, which is neutral and non-polar, with isoleucine, which is neutral and non-polar, at codon 357 of the MYH11 protein (p.Val357Ile). This variant is present in population databases (rs757255183, gnomAD 0.004%). This variant has not been reported in the literature in individuals affected with MYH11-related conditions. Invitae Evidence Modeling of protein sequence and biophysical properties (such as structural, functional, and spatial information, amino acid conservation, physicochemical variation, residue mobility, and thermodynamic stability) indicates that this missense variant is not expected to disrupt MYH11 protein function with a negative predictive value of 95%. In summary, the available evidence is currently insufficient to determine the role of this variant in disease. Therefore, it has been classified as a Variant of Uncertain Significance.